The following is an entry in ClinVar:

NM_004448.4(ERBB2):c.3202G>T (p.Glu1068Ter)

Gene: ERBB2 (erb-b2 receptor tyrosine kinase 2; plus strand). Cytogenetic location: 17q12.
Variant type: single nucleotide variant.
Coding change: c.3202G>T on transcript NM_004448.4 (MANE Select); coding-DNA position 3202, G replaced by T.
Protein change: p.Glu1068Ter; replaces glutamic acid 1068 with a stop codon.
Molecular consequence: nonsense. On other transcripts: non-coding transcript variant (1), intron variant (2).
Genome position (GRCh38, 1-based): chr17:39,727,337, G>T. VCF-style: chr17-39727337-G-T. GRCh37 (hg19) VCF-style: chr17-37883590-G-T.
Other names: c.3112G>T, p.Glu1038Ter (NM_001005862.3, NM_001382782.1, NM_001382783.1); c.3157G>T, p.Glu1053Ter (NM_001289936.2); c.3319G>T, p.Glu1107Ter (NM_001382784.1); c.3304G>T, p.Glu1102Ter (NM_001382785.1); c.3283G>T, p.Glu1095Ter (NM_001382786.1); c.3277G>T, p.Glu1093Ter (NM_001382787.1); c.3232G>T, p.Glu1078Ter (NM_001382788.1); c.3223G>T, p.Glu1075Ter (NM_001382789.1); and 17 more; short protein forms E1000*, E1016*, E1052*, E1054*, E1056*, E1038*, E1053*, E1067*.
Identifiers: ClinVar variation 1514284 (VCV001514284.6), dbSNP rs754310116, ClinGen allele CA399310253.

ClinVar aggregate classification (germline): Uncertain significance (1 of 4 stars; one submission).

Submission:

Labcorp Genetics (formerly Invitae), Labcorp
Classification: Uncertain significance. Last evaluated: 2021-04-05. Review status: criteria provided, single submitter. Criteria: Invitae Variant Classification Sherloc (09022015). Collection method: clinical testing. Allele origin: germline.
Comment: In summary, the available evidence is currently insufficient to determine the role of this variant in disease. Therefore, it has been classified as a Variant of Uncertain Significance. This variant has not been reported in the literature in individuals with ERBB2-related conditions. This variant is not present in population databases (ExAC no frequency). This sequence change creates a premature translational stop signal (p.Glu1068*) in the ERBB2 gene. It is expected to result in an absent or disrupted protein product. However, the current clinical and genetic evidence is not sufficient to establish whether loss-of-function variants in ERBB2 cause disease.